The following is an entry in ClinVar:

ClinVar aggregate classification (germline): Likely pathogenic. Review status: reviewed by expert panel (3 of 4 stars). 8 submissions from 8 submitters: Likely pathogenic (1). 7 of the submissions do not count toward it. Last evaluated 2025-12-22.

Conditions:
Leber congenital amaurosis (LCA). Also called: Leber's amaurosis. Identifiers: Orphanet 65, MedGen C0339527, MeSH D057130, MONDO:0018998.
RPE65-related recessive retinopathy. Also called: Recessive RPE65 retinopathy. Identifiers: MedGen CN305526, MONDO:0100368.
Retinitis pigmentosa 87 with choroidal involvement. Identifiers: MedGen C5231465, MONDO:0032873, OMIM 618697.
Retinitis pigmentosa 20 (RP20). Identifiers: Orphanet 791, MedGen C3151086, MONDO:0013425, OMIM 613794.
Leber congenital amaurosis 2 (LCA2). Also called: AMAUROSIS CONGENITA OF LEBER II; Autosomal Recessive RPE65-Related Retinal Degeneration. Identifiers: Orphanet 65, MedGen C1859844, MONDO:0008765, OMIM 204100. Disease mechanism: loss of function.
RPE65-related disorder. Also called: RPE65-related disorders; RPE65-related condition. Identifiers: MedGen CN239301.
Retinal dystrophy. Also called: Inherited retinal dystrophy. Identifiers: Orphanet 71862, MedGen C0854723, MeSH D058499, MONDO:0019118, HP:0000556.

Allele frequency attached by ClinVar (database versions not stated): TOPMed below 0.00001; gnomAD 0.00001.

Submissions (8):

ClinGen Leber Congenital Amaurosis/early Onset Retinal Dystrophy Variant Curation Expert Panel, ClinGen
Classification: Likely pathogenic for RPE65-related recessive retinopathy. Last evaluated: 2025-12-22. Review status: reviewed by expert panel. Criteria: ClinGen LCAeoRD ACMG Specifications RPE65 V1.0.0. Collection method: curation. Allele origin: germline. Inheritance: Autosomal recessive inheritance.
Comment: NM_000329.3(RPE65):c.2T>C (p.Met1Thr) is an amino acid substitution which disrupts the start codon of RPE65. Although the possibility cannot be excluded for a second start codon to be used, multiple disease-causing missense variants have been reported upstream of the next Met (p.Met93), indicating that this variant disrupts a functionally important region (PVS1_Strong). This variant is present in gnomAD v.4.1.0 at a GrpMax allele frequency of 0.000003097, with 5/1614104 alleles in the non-Finnish European population, which is lower than the ClinGen LCA / eoRD VCEP PM2_Supporting threshold of <0.0002 (PM2_Supporting). This variant has been reported in at least 1 proband with early-onset severe retinal dystrophy who was homozygous for the variant (0.5 points, PMID: 9501220). This variant has also been reported in at least 1 proband with early-onset severe retinal dystrophy who was compound heterozygous with the NM_000329.3(RPE65):c.271C>T (p.Arg91Trp) variant (0.5 pts, PMID: 11095629), which was previously classified pathogenic by the ClinGen LCA / eoRD VCEP (1.0 total point, PM3). At least one proband harboring this variant exhibits a phenotype including diagnosis of early-onset retinal dystrophy (0.5 pts), confirmed onset before age 5 years (1 pt), night blindness (0.5 pts), decreased peripheral vision (1 pt), and decreased central visual acuity (1 pt), which together are specific for RPE65-related recessive retinopathy (total 4 points, PMID: 11095629, PP4). The computational predictor REVEL gives a score of 0.586, which is below the ClinGen LCA / eoRD VCEP PP3 threshold of ≥0.644 but higher than the BP4 threshold of <0.290, so neither in silico code is met. In summary, this variant meets the criteria to be classified as Likely Pathogenic for RPE65-related recessive retinopathy based on the ACMG/AMP criteria applied, as specified by the ClinGen LCA/eoRD VCEP: PVS1_Strong, PM3, PP4, PM2_Supporting. (VCEP specifications version 1.0.0; date of approval 09/21/2023).

Labcorp Genetics (formerly Invitae), Labcorp
Classification: Pathogenic for Leber congenital amaurosis 2; Retinitis pigmentosa 20. Last evaluated: 2025-07-23. Review status: criteria provided, single submitter. Criteria: Invitae Variant Classification Sherloc (09022015). Collection method: clinical testing. Allele origin: germline. Not counted in ClinVar's aggregate classification.
Comment: This sequence change affects the initiator codon of the RPE65 mRNA. This change may impact translation initiation or efficiency. The next in-frame methionine is located at codon 93. This variant is not present in population databases (gnomAD no frequency). Disruption of the initiator codon has been observed in individual(s) with autosomal recessive Leber congenital amaurosis (PMID: 9501220). ClinVar contains an entry for this variant (Variation ID: 98861). This variant disrupts a region of the RPE65 protein in which other variant(s) (p.Pro25Leu) have been determined to be pathogenic (PMID: 18599565, 25972377, 28041643, 30268864). This suggests that this is a clinically significant region of the protein, and that variants that disrupt it are likely to be disease-causing. For these reasons, this variant has been classified as Pathogenic.

Fulgent Genetics
Classification: Pathogenic for Leber congenital amaurosis 2; Retinitis pigmentosa 20; Retinitis pigmentosa 87 with choroidal involvement. Last evaluated: 2024-04-19. Review status: criteria provided, single submitter. Criteria: ACMG Guidelines, 2015. Collection method: clinical testing. Allele origin: germline. Not counted in ClinVar's aggregate classification.

Ocular Genomics Institute, Massachusetts Eye and Ear
Classification: Likely pathogenic for Retinitis pigmentosa 20. Last evaluated: 2021-04-08. Review status: criteria provided, single submitter. Criteria: ACMG Guidelines, 2015. Collection method: research. Allele origin: germline. Affected: yes. Not counted in ClinVar's aggregate classification.
Comment: Through a review of available evidence we were able to apply the following criteria: PVS1, PM2. Based on this evidence we have classified this variant as Likely Pathogenic.

Blueprint Genetics
Classification: Likely pathogenic for RPE65-related disorders. Last evaluated: 2017-07-16. Review status: criteria provided, single submitter. Criteria: ACMG Guidelines, 2015. Collection method: clinical testing. Allele origin: germline. Affected: yes. Observed: 1 variant allele. Not counted in ClinVar's aggregate classification.

Institute of Human Genetics, Univ. Regensburg, Univ. Regensburg
Classification: Likely pathogenic for Retinal dystrophy. Last evaluated: 2017-01-01. Review status: criteria provided, single submitter. Criteria: ACMG Guidelines, 2015. Collection method: clinical testing. Allele origin: germline. Affected: yes. Not counted in ClinVar's aggregate classification.

Natera, Inc.
Classification: Likely pathogenic for Leber congenital amaurosis. Last evaluated: 2025-04-18. Review status: no assertion criteria provided. Collection method: clinical testing. Allele origin: germline. Not counted in ClinVar's aggregate classification.

Retina International
No classification provided. Review status: no classification provided. Collection method: not provided. Allele origin: unknown. Not counted in ClinVar's aggregate classification.

Literature cited by the submitters: PubMed 9501220 (cited by Labcorp Genetics (formerly Invitae), Labcorp and Institute of Human Genetics, Univ. Regensburg, Univ. Regensburg); PubMed 18599565 (cited by Labcorp Genetics (formerly Invitae), Labcorp); PubMed 25972377 (cited by Labcorp Genetics (formerly Invitae), Labcorp); PubMed 28041643 (cited by Labcorp Genetics (formerly Invitae), Labcorp); PubMed 30268864 (cited by Labcorp Genetics (formerly Invitae), Labcorp).

NM_000329.3(RPE65):c.2T>C (p.Met1Thr)

Gene: RPE65 (retinoid isomerohydrolase RPE65; minus strand). Cytogenetic location: 1p31.3.
Variant type: single nucleotide variant.
Coding change: c.2T>C on transcript NM_000329.3 (MANE Select); coding-DNA position 2, T replaced by C.
Protein change: p.Met1Thr; changes the start codon (methionine 1).
Molecular consequence: missense variant, initiator codon variant.
Genome position (GRCh38, 1-based): chr1:68,449,904, A>G on the plus strand (T>C on the coding strand, the complement: RPE65 is on the minus strand). VCF-style: chr1-68449904-A-G. GRCh37 (hg19) VCF-style: chr1-68915587-A-G.
Other names: NM_000329.3(RPE65):c.2T>C; p.Met1Thr; short protein forms M1T.
Identifiers: ClinVar variation 98861 (VCV000098861.13), dbSNP rs281865285, ClinGen allele CA226537.
Genomic context (GRCh38, chr1:68,449,904, plus strand): 5'-TTATCATGAATCCATGAAGGTGTTTTAAAAAAGTCTCCCAGAGATACTTACTGGATAGAC[A>G]TTTTCTTCCAGTTCAGGATCCAGAGTTCTGGCACCAACTGCAGAATGAAGAAGGAAGTTC-3'
Protein context (NP_000320.1, residues 1-11): [Met1Thr]SIQVEHPAGG